The following is an entry in ClinVar:

ClinVar aggregate classification (germline): Uncertain significance (1 of 4 stars; one submission).

Allele frequency attached by ClinVar (database versions not stated): gnomAD exomes 0.00003; TOPMed 0.00003.
gnomAD v4.1: 6 of 1,614,182 alleles (0.00037%); highest among the groups gnomAD compares: Admixed American, 0.01%; no homozygotes.

Submission:

Labcorp Genetics (formerly Invitae), Labcorp
Classification: Uncertain significance. Last evaluated: 2022-08-23. Review status: criteria provided, single submitter. Criteria: Invitae Variant Classification Sherloc (09022015). Collection method: clinical testing. Allele origin: germline.
Comment: This sequence change replaces lysine, which is basic and polar, with arginine, which is basic and polar, at codon 554 of the KIAA0753 protein (p.Lys554Arg). This variant is present in population databases (no rsID available, gnomAD 0.02%). This variant has not been reported in the literature in individuals affected with KIAA0753-related conditions. ClinVar contains an entry for this variant (Variation ID: 1499669). Algorithms developed to predict the effect of missense changes on protein structure and function output the following: SIFT: "Tolerated"; PolyPhen-2: "Benign"; Align-GVGD: "Class C0". The arginine amino acid residue is found in multiple mammalian species, which suggests that this missense change does not adversely affect protein function. In summary, the available evidence is currently insufficient to determine the role of this variant in disease. Therefore, it has been classified as a Variant of Uncertain Significance.

NM_014804.3(KIAA0753):c.1661A>G (p.Lys554Arg)

Gene: KIAA0753 (KIAA0753; minus strand). Cytogenetic location: 17p13.1.
Variant type: single nucleotide variant.
Coding change: c.1661A>G on transcript NM_014804.3 (MANE Select); coding-DNA position 1661, A replaced by G.
Protein change: p.Lys554Arg; replaces lysine 554 with arginine.
Molecular consequence: missense variant. On other transcripts: non-coding transcript variant (3).
Genome position (GRCh38, 1-based): chr17:6,610,045, T>C on the plus strand (A>G on the coding strand, the complement: KIAA0753 is on the minus strand). VCF-style: chr17-6610045-T-C. GRCh37 (hg19) VCF-style: chr17-6513365-T-C.
Other names: c.764A>G, p.Lys255Arg (NM_001351225.2); short protein forms K554R, K255R.
Identifiers: ClinVar variation 1499669 (VCV001499669.3), dbSNP rs901060784, ClinGen allele CA287351162.